The following is an entry in ClinVar:

ClinVar aggregate classification (germline): Conflicting classifications of pathogenicity. Review status: criteria provided, conflicting classifications (1 of 4 stars). 2 submissions from 2 submitters: Uncertain significance (1); Likely benign (1). Last evaluated 2024-07-16.

Conditions:
BAP1-related tumor predisposition syndrome (TPDS1). Also called: Tumor susceptibility linked to germline BAP1 mutations; COMMON Syndrome; TUMOR PREDISPOSITION SYNDROME 1; BAP1 tumor predisposition syndrome. Identifiers: Orphanet 289539, MedGen C3280492, MONDO:0013692, OMIM 614327.

Submissions (2):

Myriad Genetics, Inc.
Classification: Likely benign for BAP1-related tumor predisposition syndrome. Last evaluated: 2024-07-16. Review status: criteria provided, single submitter. Criteria: Myriad Autosomal Dominant, Autosomal Recessive and X-Linked Classification Criteria (2023). Collection method: clinical testing. Allele origin: unknown.
Comment: This variant is considered likely benign. This variant is intronic and is not expected to impact mRNA splicing.

Labcorp Genetics (formerly Invitae), Labcorp
Classification: Uncertain significance for BAP1-related tumor predisposition syndrome. Last evaluated: 2023-09-15. Review status: criteria provided, single submitter. Criteria: Invitae Variant Classification Sherloc (09022015). Collection method: clinical testing. Allele origin: germline.
Comment: In summary, the available evidence is currently insufficient to determine the role of this variant in disease. Therefore, it has been classified as a Variant of Uncertain Significance. Variants that disrupt the consensus splice site are a relatively common cause of aberrant splicing (PMID: 17576681, 9536098). Algorithms developed to predict the effect of sequence changes on RNA splicing suggest that this variant is not likely to affect RNA splicing. This variant has not been reported in the literature in individuals affected with BAP1-related conditions. This variant is not present in population databases (gnomAD no frequency). This sequence change falls in intron 12 of the BAP1 gene. It does not directly change the encoded amino acid sequence of the BAP1 protein. It affects a nucleotide within the consensus splice site.

Literature cited by the submitters: PubMed 17576681 (cited by Labcorp Genetics (formerly Invitae), Labcorp); PubMed 9536098 (cited by Labcorp Genetics (formerly Invitae), Labcorp).

NM_004656.4(BAP1):c.1250+6C>T

Gene: BAP1 (BRCA1 associated deubiquitinase 1; minus strand). Cytogenetic location: 3p21.1.
Variant type: single nucleotide variant.
Coding change: c.1250+6C>T on transcript NM_004656.4 (MANE Select); 6 bases into the intron after coding-DNA position 1250, C replaced by T.
Molecular consequence: intron variant.
Genome position (GRCh38, 1-based): chr3:52,404,447, G>A on the plus strand (C>T on the coding strand, the complement: BAP1 is on the minus strand). VCF-style: chr3-52404447-G-A. GRCh37 (hg19) VCF-style: chr3-52438463-G-A.
Other names: c.1196+6C>T (NM_001410772.1).
Identifiers: ClinVar variation 2721742 (VCV002721742.4), dbSNP rs2153226819, ClinGen allele CA2697556712.